The following is an entry in ClinVar:

ClinVar aggregate classification (germline): Uncertain significance (1 of 4 stars; one submission).

Conditions:
Congenital myopathy with internal nuclei and atypical cores. Also called: Myopathy, centronuclear, 4. Identifiers: Orphanet 319160, MedGen C4707232, MONDO:0013890, OMIM 614807.

gnomAD v4.1: 6 of 1,601,404 alleles (0.00037%); highest among the groups gnomAD compares: Non-Finnish European, 0.00051%; no homozygotes.

Submission:

Labcorp Genetics (formerly Invitae), Labcorp
Classification: Uncertain significance for Congenital myopathy with internal nuclei and atypical cores. Last evaluated: 2024-04-30. Review status: criteria provided, single submitter. Criteria: Invitae Variant Classification Sherloc (09022015). Collection method: clinical testing. Allele origin: germline.
Comment: This sequence change replaces serine, which is neutral and polar, with proline, which is neutral and non-polar, at codon 360 of the CCDC78 protein (p.Ser360Pro). This variant is present in population databases (no rsID available, gnomAD 0.002%). This variant has not been reported in the literature in individuals affected with CCDC78-related conditions. Advanced modeling of protein sequence and biophysical properties (such as structural, functional, and spatial information, amino acid conservation, physicochemical variation, residue mobility, and thermodynamic stability) performed at Invitae indicates that this missense variant is not expected to disrupt CCDC78 protein function with a negative predictive value of 80%. In summary, the available evidence is currently insufficient to determine the role of this variant in disease. Therefore, it has been classified as a Variant of Uncertain Significance.

NM_001378030.1(CCDC78):c.1078T>C (p.Ser360Pro)

Gene: CCDC78 (coiled-coil domain containing 78; minus strand). Cytogenetic location: 16p13.3.
Variant type: single nucleotide variant.
Coding change: c.1078T>C on transcript NM_001378030.1 (MANE Select); coding-DNA position 1078, T replaced by C.
Protein change: p.Ser360Pro; replaces serine 360 with proline.
Molecular consequence: missense variant. On other transcripts: non-coding transcript variant (5), intron variant (1).
Genome position (GRCh38, 1-based): chr16:723,912, A>G on the plus strand (T>C on the coding strand, the complement: CCDC78 is on the minus strand). VCF-style: chr16-723912-A-G. GRCh37 (hg19) VCF-style: chr16-773912-A-G.
Other names: c.1078T>C, p.Ser360Pro (NM_001031737.3); c.511T>C, p.Ser171Pro (NM_001378033.1); c.953+410T>C (NM_001378031.1); short protein forms S171P, S360P.
Identifiers: ClinVar variation 3615975 (VCV003615975.2).